The following is an entry in ClinVar:

NM_020401.4(NUP107):c.2760G>A (p.Gly920=)

Gene: NUP107 (nucleoporin 107; plus strand). Cytogenetic location: 12q15.
Variant type: single nucleotide variant.
Coding change: c.2760G>A on transcript NM_020401.4 (MANE Select); coding-DNA position 2760, G replaced by A.
Protein change: p.Gly920=; no amino-acid change (glycine 920 retained).
Molecular consequence: synonymous variant.
Genome position (GRCh38, 1-based): chr12:68,742,444, G>A. VCF-style: chr12-68742444-G-A. GRCh37 (hg19) VCF-style: chr12-69136224-G-A.
Other names: c.2673G>A, p.Gly891= (NM_001330192.2).
Identifiers: ClinVar variation 1943293 (VCV001943293.5), dbSNP rs141296706, ClinGen allele CA480435384.

ClinVar aggregate classification (germline): Uncertain significance (1 of 4 stars; one submission).

gnomAD v4.1: 4 of 1,576,028 alleles (0.00025%); highest among the groups gnomAD compares: Non-Finnish European, 0.00035%; no homozygotes.

Submission:

Labcorp Genetics (formerly Invitae), Labcorp
Classification: Uncertain significance. Last evaluated: 2022-06-03. Review status: criteria provided, single submitter. Criteria: Invitae Variant Classification Sherloc (09022015). Collection method: clinical testing. Allele origin: germline.
Comment: This sequence change affects codon 920 of the NUP107 mRNA. It is a 'silent' change, meaning that it does not change the encoded amino acid sequence of the NUP107 protein. This variant is not present in population databases (gnomAD no frequency). This variant has not been reported in the literature in individuals affected with NUP107-related conditions. Algorithms developed to predict the effect of sequence changes on RNA splicing suggest that this variant may disrupt the consensus splice site. In summary, the available evidence is currently insufficient to determine the role of this variant in disease. Therefore, it has been classified as a Variant of Uncertain Significance.